The following is an entry in ClinVar:

ClinVar aggregate classification (germline): Uncertain significance (1 of 4 stars; one submission).

Conditions:
Hereditary cancer-predisposing syndrome. Also called: Neoplastic Syndromes, Hereditary; Tumor predisposition; Hereditary Cancer Syndrome; Hereditary neoplastic syndrome. Identifiers: Orphanet 140162, MedGen C0027672, MeSH D009386, MONDO:0015356.

Submission:

Ambry Genetics
Classification: Uncertain significance for Hereditary cancer-predisposing syndrome. Last evaluated: 2025-12-26. Review status: criteria provided, single submitter. Criteria: Ambry Variant Classification Scheme 2023. Collection method: clinical testing. Allele origin: germline.
Comment: The p.Y966C variant (also known as c.2897A>G), located in coding exon 17 of the ALK gene, results from an A to G substitution at nucleotide position 2897. The tyrosine at codon 966 is replaced by cysteine, an amino acid with highly dissimilar properties. This amino acid position is conserved. In addition, the in silico prediction for this alteration is inconclusive. Based on the available evidence, the clinical significance of this variant remains unclear.

NM_004304.5(ALK):c.2897A>G (p.Tyr966Cys)

Gene: ALK (ALK receptor tyrosine kinase; minus strand). Cytogenetic location: 2p23.2.
Variant type: single nucleotide variant.
Coding change: c.2897A>G on transcript NM_004304.5 (MANE Select); coding-DNA position 2897, A replaced by G.
Protein change: p.Tyr966Cys; replaces tyrosine 966 with cysteine.
Molecular consequence: missense variant.
Genome position (GRCh38, 1-based): chr2:29,227,591, T>C on the plus strand (A>G on the coding strand, the complement: ALK is on the minus strand). VCF-style: chr2-29227591-T-C. GRCh37 (hg19) VCF-style: chr2-29450457-T-C.
Other names: short protein forms Y966C.
Identifiers: ClinVar variation 4843249 (VCV004843249.1).